The following is an entry in ClinVar:

NM_001083962.2(TCF4):c.1118dup (p.Pro373_Asn374insTer)

Gene: TCF4 (transcription factor 4; minus strand). Cytogenetic location: 18q21.2.
Variant type: Duplication.
Coding change: c.1118dup on transcript NM_001083962.2 (MANE Select); coding-DNA position 1118, one base duplicated (C; older notation c.1118dupC).
Protein change: p.Pro373_Asn374insTer.
Molecular consequence: frameshift variant.
Genome position (GRCh38, 1-based): chr18:55,257,343, G duplicated on the plus strand (C on the coding strand, the reverse complement: TCF4 is on the minus strand); the first of 2 consecutive G bases (chr18:55,257,343-55,257,344); duplicating either gives the same sequence. VCF-style (leftmost placement, unchanged base first): chr18-55257342-A-AG. GRCh37 (hg19) VCF-style: chr18-52924573-A-AG.
Other names: c.1046dup, p.Pro349_Asn350insTer (NM_001243227.2, NM_001348217.1, NM_001348218.2 and 5 more transcripts); c.1136dup, p.Pro379_Asn380insTer (NM_001243228.2); c.1115dup, p.Pro372_Asn373insTer (NM_001330604.3, NM_001369569.1, NM_001369570.1 and 2 more transcripts); c.728dup, p.Pro243_Asn244insTer (NM_001330605.3, NM_001348212.2, NM_001348213.2 and 1 more transcripts); c.992dup, p.Pro331_Asn332insTer (NM_001348211.2, NM_001243231.2); c.635dup, p.Pro212_Asn213insTer (NM_001348214.2); c.470dup, p.Pro157_Asn158insTer (NM_001348215.2); c.638dup, p.Pro213_Asn214insTer (NM_001348216.2, NM_001243234.2, NM_001243235.2 and 1 more transcripts); and 6 more.
Identifiers: ClinVar variation 828013 (VCV000828013.3), dbSNP rs1600404795, ClinGen allele CA915951559.

ClinVar aggregate classification (germline): Likely pathogenic (1 of 4 stars; one submission).

Conditions:
Corneal dystrophy, Fuchs endothelial, 3 (FECD3). Also called: FCD2 LOCUS. Identifiers: Orphanet 98974, MedGen C2750451, MONDO:0013203, OMIM 613267.
Pitt-Hopkins syndrome (PTHS). Also called: ENCEPHALOPATHY, SEVERE EPILEPTIC, WITH AUTONOMIC DYSFUNCTION; MENTAL RETARDATION, SYNDROMAL, WITH INTERMITTENT HYPERVENTILATION. Identifiers: Orphanet 2896, MedGen C1970431, MONDO:0012589, OMIM 610954.

Submission:

Center for Genomics, Ann and Robert H. Lurie Children's Hospital of Chicago
Classification: Likely pathogenic for Pitt-Hopkins syndrome; Corneal dystrophy, Fuchs endothelial, 3. Review status: criteria provided, single submitter. Criteria: ACMG Guidelines, 2015. Collection method: clinical testing. Allele origin: germline.
Comment: TCF4 NM_001083962.1 exon 14 p.Asn374* (c.1118dupC): This variant has not been reported in the literature and is not present in large control databases. Evolutionary conservation and computational predictive tools for this variant are limited or unavailable. This variant creates a premature stop at this codon which is predicted to result in an absent or abnormal protein. Loss of function (LOF) variants are a known mechanism of disease for this gene (Whalen 2011 PMID:22045651, Sepp 2012 PMID:22460224). In summary, data on this variant is highly suspicious for disease, but requires further evidence for pathogenicity. Therefore, this variant is classified as likely pathogenic.